The following is an entry in ClinVar:

ClinVar aggregate classification (germline): Uncertain significance. Review status: criteria provided, multiple submitters, no conflicts (2 of 4 stars). 2 submissions from 2 submitters: Uncertain significance (2). Last evaluated 2024-04-24.

Conditions:
Fanconi anemia (FA). Also called: Fanconi's anemia. Identifiers: Orphanet 84, MedGen C0015625, MeSH D005199, MONDO:0019391.
Fanconi anemia complementation group F. Also called: FANCF-Related Fanconi Anemia. Identifiers: Orphanet 84, MedGen C3469526, MONDO:0011325, OMIM 603467.

Allele frequency attached by ClinVar (database versions not stated): TOPMed below 0.00001; gnomAD exomes 0.00003.
gnomAD v4.1: 47 of 1,614,148 alleles (0.0029%); highest among the groups gnomAD compares: Non-Finnish European, 0.0039%; no homozygotes.

Submissions (2):

Fulgent Genetics
Classification: Uncertain significance for Fanconi anemia complementation group F. Last evaluated: 2024-04-24. Review status: criteria provided, single submitter. Criteria: ACMG Guidelines, 2015. Collection method: clinical testing. Allele origin: germline.

Labcorp Genetics (formerly Invitae), Labcorp
Classification: Uncertain significance for Fanconi anemia. Last evaluated: 2022-07-01. Review status: criteria provided, single submitter. Criteria: Invitae Variant Classification Sherloc (09022015). Collection method: clinical testing. Allele origin: germline.
Comment: This variant is present in population databases (no rsID available, gnomAD 0.002%). In summary, the available evidence is currently insufficient to determine the role of this variant in disease. Therefore, it has been classified as a Variant of Uncertain Significance. Algorithms developed to predict the effect of missense changes on protein structure and function (SIFT, PolyPhen-2, Align-GVGD) all suggest that this variant is likely to be disruptive. This variant has not been reported in the literature in individuals affected with FANCF-related conditions. This sequence change replaces valine, which is neutral and non-polar, with alanine, which is neutral and non-polar, at codon 17 of the FANCF protein (p.Val17Ala).

NM_022725.4(FANCF):c.50T>C (p.Val17Ala)

Gene: FANCF (FA complementation group F; minus strand). Cytogenetic location: 11p14.3.
Variant type: single nucleotide variant.
Coding change: c.50T>C on transcript NM_022725.4 (MANE Select); coding-DNA position 50, T replaced by C.
Protein change: p.Val17Ala; replaces valine 17 with alanine.
Molecular consequence: missense variant.
Genome position (GRCh38, 1-based): chr11:22,625,761, A>G on the plus strand (T>C on the coding strand, the complement: FANCF is on the minus strand). VCF-style: chr11-22625761-A-G. GRCh37 (hg19) VCF-style: chr11-22647307-A-G.
Other names: short protein forms V17A.
Identifiers: ClinVar variation 2420506 (VCV002420506.7), dbSNP rs962319319, ClinGen allele CA219086671.